The following is an entry in ClinVar:

ClinVar aggregate classification (germline): Pathogenic/Likely pathogenic. Review status: criteria provided, multiple submitters, no conflicts (2 of 4 stars). 14 submissions from 14 submitters: Pathogenic (7); Likely pathogenic (6). 1 of the submissions does not count toward it. Last evaluated 2026-01-01.

Conditions:
KCNQ1-related disorder. Also called: KCNQ1-related condition; KCNQ1-related disorders. Identifiers: MedGen CN239322.
Cardiovascular phenotype. Identifiers: MedGen CN230736.
Cardiac arrhythmia. Also called: Arrhythmia; Cardiac rhythm disease. Identifiers: MedGen C0003811, MONDO:0007263, HP:0011675.
Familial long QT syndrome (RWS). Also called: Congenital long QT syndrome; Romano-Ward syndrome; VENTRICULAR FIBRILLATION WITH PROLONGED QT INTERVAL. Identifiers: Orphanet 768, MedGen C1141890, MONDO:0019171.
Long QT syndrome (LQTS). Identifiers: MedGen C0023976, MeSH D008133, MONDO:0002442. Disease mechanism: loss of function. Inheritance: Various modes of inheritance.
Long QT syndrome 1 (LQT1). Identifiers: Orphanet 101016, Orphanet 768, MedGen C4551647, MONDO:0100316, OMIM 192500, MONDO:0008646.

Allele frequency attached by ClinVar (database versions not stated): ExAC 0.00001.

Submissions 1 to 8 of 14:

CeGaT Center for Human Genetics Tuebingen
Classification: Pathogenic. Last evaluated: 2026-01-01. Review status: criteria provided, single submitter. Criteria: CeGaT Center For Human Genetics Tuebingen Variant Classification Criteria Version 2. Collection method: clinical testing. Allele origin: germline. Affected: yes. Observed: 1 variant allele.
Comment: KCNQ1: PS4, PM1, PM2, PM5

PreventionGenetics, part of Exact Sciences
Classification: Likely pathogenic for KCNQ1-related condition. Last evaluated: 2025-11-14. Review status: criteria provided, single submitter. Criteria: ACMG Guidelines, 2015. Collection method: clinical testing. Allele origin: germline.
Comment: The KCNQ1 c.569G>T variant is predicted to result in the amino acid substitution p.Arg190Leu. This variant has been reported in the homozygous state in a pair of siblings with severely prolonged QT intervals and recurrent syncope, one of whom also had "subclinical" bilateral sensorineural hearing loss and was subsequently diagnosed with "incomplete" Jervell and Lange-Nielsen syndrome (JLNS; Kanovsky et al. 2010. PubMed ID: 20138589). Further testing confirmed both parents were heterozygous carriers but only exhibited increased QT intervals during stress testing. This variant has also been reported in multiple individuals with suspected or clinically diagnosed Long QT syndrome (LQTS; Table S1, Kapplinger et al. 2009. PubMed ID: 19716085; Crehalet et al. 2012. DOI: 10.4081/cardiogenetics.2012.e6; Table S1, Westphal et al. 2020. PubMed ID: 32383558). In vitro studies in transformed Xenopus oocytes suggest that this variant negatively impacts channel current amplitudes by disrupting interactions with signaling molecule phosphatidylinositol 4,5-bisphosphate (PIP2; Eckey et al. 2014. PubMed ID: 24947509). This variant is reported in 0.00088% of alleles in individuals of European (non-Finnish) descent in gnomAD. Alternate missense changes of the same amino acid (p.Arg190Trp, p.Arg190Gln, p.Arg190Pro) have also been reported in the heterozygous and homozygous states in multiple individuals with LQTS and JLNS and have been shown to be functionally deleterious (for example, see Wang et al. 1999. PubMed ID: 10376919; Napolitano et al. 2005. PubMed ID: 16414944; Vanoye et al. 2018. PubMed ID: 30571187). Taken together, the p.Arg190Leu variant is interpreted as likely pathogenic.

Labcorp Genetics (formerly Invitae), Labcorp
Classification: Pathogenic for Long QT syndrome. Last evaluated: 2025-04-21. Review status: criteria provided, single submitter. Criteria: Invitae Variant Classification Sherloc (09022015). Collection method: clinical testing. Allele origin: germline.
Comment: This sequence change replaces arginine, which is basic and polar, with leucine, which is neutral and non-polar, at codon 190 of the KCNQ1 protein (p.Arg190Leu). The frequency data for this variant in the population databases is considered unreliable, as metrics indicate poor data quality at this position in the gnomAD database. This missense change has been observed in individuals with long QT Syndrome (PMID: 19716085, 20138589, 31737537, 32383558; internal data). It has also been observed to segregate with disease in related individuals. ClinVar contains an entry for this variant (Variation ID: 67084). Invitae Evidence Modeling of protein sequence and biophysical properties (such as structural, functional, and spatial information, amino acid conservation, physicochemical variation, residue mobility, and thermodynamic stability) indicates that this missense variant is expected to disrupt KCNQ1 protein function with a positive predictive value of 95%. Experimental studies have shown that this missense change affects KCNQ1 function (PMID: 24947509). This variant disrupts the p.Arg190 amino acid residue in KCNQ1. Other variant(s) that disrupt this residue have been determined to be pathogenic (PMID: 8528244, 10376919, 10728423, 20660394). This suggests that this residue is clinically significant, and that variants that disrupt this residue are likely to be disease-causing. For these reasons, this variant has been classified as Pathogenic.

Ambry Genetics
Classification: Likely pathogenic for Cardiovascular phenotype. Last evaluated: 2025-03-10. Review status: criteria provided, single submitter. Criteria: Ambry Variant Classification Scheme 2023. Collection method: clinical testing. Allele origin: germline.
Comment: The p.R190L variant (also known as c.569G>T), located in coding exon 3 of the KCNQ1 gene, results from a G to T substitution at nucleotide position 569. The arginine at codon 190 is replaced by leucine, an amino acid with dissimilar properties. In a study of long QT syndrome (LQTS) clinical genetic testing, this alteration was reported in one patient; however, clinical details were limited (Kapplinger JD et al. Heart Rhythm, 2009 Sep;6:1297-303). This alteration was also reported in homozygous state in two sisters with LQTS, one of whom was also revealed to have subclinical bilateral sensorineural hearing impairment. Their asymptomatic parents were both heterozygous for this alteration and showed prolonged QTc upon stress test (Kanovsky J et al. Heart Rhythm, 2010 Apr;7:531-3). In vitro studies suggested that this alteration would affect channel activity (Eckey K et al. J. Biol. Chem., 2014 Aug;289:22749-58). This amino acid position is highly conserved in available vertebrate species. In addition, this alteration is predicted to be deleterious by in silico analysis. Based on the majority of available evidence to date, this variant is likely to be pathogenic.

Mayo Clinic Laboratories, Mayo Clinic
Classification: Likely pathogenic. Last evaluated: 2024-07-29. Review status: criteria provided, single submitter. Criteria: ACMG Guidelines, 2015. Collection method: clinical testing. Allele origin: germline. Observed: 1 variant allele.
Comment: PP1_moderate, PP3, PM2, PM3_supporting, PM5, PS3_supporting, PS4_moderate

Institute for Clinical Genetics, University Hospital TU Dresden, University Hospital TU Dresden
Classification: Likely pathogenic. Last evaluated: 2023-05-03. Review status: criteria provided, single submitter. Criteria: ACMG Guidelines, 2015. Collection method: clinical testing. Allele origin: germline.
Comment: PP3, PM2_SUP

Institute of Human Genetics, University of Leipzig Medical Center
Classification: Pathogenic for Long QT syndrome 1. Last evaluated: 2023-02-27. Review status: criteria provided, single submitter. Criteria: ACMG Guidelines, 2015. Collection method: clinical testing. Allele origin: unknown.
Comment: _x000D_ Criteria applied: PM5_STR, PS4_MOD, PM1, PM2_SUP, PP3

Color Diagnostics, LLC DBA Color Health
Classification: Likely pathogenic for Cardiac arrhythmia. Last evaluated: 2023-02-01. Review status: criteria provided, single submitter. Criteria: ACMG Guidelines, 2015. Collection method: clinical testing. Allele origin: germline.
Comment: This missense variant replaces arginine with leucine at codon 190 of the KCNQ1 protein. Computational prediction suggests that this variant may have deleterious impact on protein structure and function (internally defined REVEL score threshold >= 0.7, PMID: 27666373). A functional study has suggested that this missense variant may affect potassium channel function (PMID: 24947509). This variant has been reported in heterozygous state in an individual suspected of having long QT syndrome (PMID: 19716085). This variant has also been reported in homozygosity in two sisters, one affected with Jervell and Lange-Nielsen syndrome and the other one with Romano-Ward syndrome. Their heterozygous parents were asymptomatic but showed pathological QTs during the stress test (PMID: 20138589). This variant has been identified in 1/249462 chromosomes in the general population by the Genome Aggregation Database (gnomAD). Different missense variants occurring at the same codon, p.Arg190Gln and p.Arg190Trp are known to be disease-causing (ClinVar variation ID: 3117, 53070), indicating that arginine at this position is important for KCNQ1 protein function. Based on available evidence, this variant is classified as Likely Pathogenic.

NM_000218.3(KCNQ1):c.569G>T (p.Arg190Leu)

Gene: KCNQ1 (potassium voltage-gated channel subfamily Q member 1; plus strand). Cytogenetic location: 11p15.5.
Variant type: single nucleotide variant.
Coding change: c.569G>T on transcript NM_000218.3 (MANE Select); coding-DNA position 569, G replaced by T.
Protein change: p.Arg190Leu; replaces arginine 190 with leucine.
Molecular consequence: missense variant.
Genome position (GRCh38, 1-based): chr11:2,570,719, G>T. VCF-style: chr11-2570719-G-T. GRCh37 (hg19) VCF-style: chr11-2591949-G-T.
Other names: p.R190L:CGG>CTG; c.569G>T (LRG_287t1); c.569G>T, p.Arg190Leu (NM_001406836.1); c.299G>T, p.Arg100Leu (NM_001406837.1); c.188G>T, p.Arg63Leu (NM_181798.2); short protein forms R190L, R63L, R100L.
Identifiers: ClinVar variation 67084 (VCV000067084.30), dbSNP rs120074178, ClinGen allele CA007551.